The following is an entry in ClinVar:

NM_003924.4(PHOX2B):c.750GGC[7] (p.Ala260_Gly261insAlaAlaAla)

Genes: PHOX2B (paired like homeobox 2B; minus strand), LOC110011216 (paired like homeobox 2b polyalanine repeat instability region; plus strand). Cytogenetic location: 4p13.
Variant type: Microsatellite.
Coding change: c.750GGC[7] on transcript NM_003924.4 (MANE Select); seven copies in a row of the 3-base unit GGC starting at c.750; the reference has four copies in a row; three copies, 9 bases duplicated; also written c.753_761dup.
Protein change: p.Ala260_Gly261insAlaAlaAla.
Molecular consequence: inframe insertion. On other transcripts: inframe indel (2).
Genome position (GRCh38, 1-based): chr4:41,745,991-41,745,999, GCCGCCGCC duplicated on the plus strand (GGCGGCGGC on the coding strand, the reverse complement: PHOX2B is on the minus strand); duplicating any 9 consecutive bases within chr4:41,745,991-41,746,004 gives the same sequence; the position shown is the placement nearest the transcript's 3' end. VCF-style (leftmost placement, unchanged base first): chr4-41745990-T-TGCCGCCGCC. GRCh37 (hg19) VCF-style: chr4-41748007-T-TGCCGCCGCC.
Other names: c.748_750GCG[7], p.Ala260_Gly261insAlaAlaAla (NM_003924.3); c.753_761dup (NM_003924.3).
Identifiers: ClinVar variation 1810551 (VCV001810551.1), dbSNP rs955563168, ClinGen allele CA1061554580.
Genomic context (GRCh38, chr4:41,745,990, plus strand): 5'-AGCCCAGCCTTGTCCAGGGCCCCCAGCCGCAGCCAGGCCTCCAGCTGCCGCCGCTGCCGC[T>TGCCGCCGCC]GCCGCCGCCGCCGCTGCCGCGGCCGCCGCCGCTGCTGCTGCGCCGCCCTTGCCGGGTTCG-3'

ClinVar aggregate classification (germline): Uncertain significance (1 of 4 stars; one submission).

Submission:

GeneDx
Classification: Uncertain significance. Last evaluated: 2022-07-06. Review status: criteria provided, single submitter. Criteria: GeneDx Variant Classification Process June 2021. Collection method: clinical testing. Allele origin: germline. Affected: yes.
Comment: In-frame insertion of 3 amino acids in a Polyalanine repeat region; Not observed at significant frequency in large population cohorts (gnomAD); In silico analysis supports that this variant does not alter protein structure/function; Has not been previously published as pathogenic or benign to our knowledge